The following is an entry in ClinVar:

ClinVar aggregate classification (germline): Pathogenic (1 of 4 stars; one submission).

Conditions:
Autosomal dominant Alport syndrome (ATS3A). Also called: Alport syndrome dominant type; Renal failure and sensorineural hearing loss; ALPORT SYNDROME 3A, AUTOSOMAL DOMINANT. Identifiers: Orphanet 63, Orphanet 88918, MedGen C5882663, MONDO:0007086, OMIM 104200.

Submission:

Centre de Génétique Humaine, Institut de Pathologie Et de Génétique
Classification: Pathogenic for Autosomal dominant Alport syndrome. Last evaluated: 2026-04-16. Review status: criteria provided, single submitter. Criteria: ACMG Guidelines, 2015. Collection method: clinical testing. Allele origin: germline, paternal. Inheritance: Autosomal dominant inheritance. Affected: yes. Observed: 2 variant alleles, 2 heterozygotes. Clinical features observed: Microscopic hematuria (HP:0002907), Severe albuminuria (HP:0033066), Stage 2 chronic kidney disease (HP:0012624). Segregation with disease observed.
Comment: This 5pb duplication is a frameshift variant predicted to result in protein truncation or nonsense mediated decay in a gene for which loss-of-function is a known mechanism of disease (PVS1). This variant is rare: absent in in gnomAD v4.1.0 database (PM2). Described in patients with AD Alport Syndrome (PP5)

Literature cited by the submitters: PubMed 36938085; PubMed 39810285.

NM_000092.5(COL4A4):c.3967_3970dup (p.Lys1324fs)

Gene: COL4A4 (collagen type IV alpha 4 chain; minus strand). Cytogenetic location: 2q36.3.
Variant type: Duplication.
Coding change: c.3967_3970dup on transcript NM_000092.5 (MANE Select); coding-DNA positions 3967 to 3970, 4 bases duplicated (CAGA; older notation c.3967_3970dupCAGA).
Protein change: p.Lys1324fs; shifts the reading frame from lysine 1324.
Molecular consequence: frameshift variant.
Genome position (GRCh38, 1-based): chr2:227,030,446-227,030,449, TCTG duplicated on the plus strand (CAGA on the coding strand, the reverse complement: COL4A4 is on the minus strand). VCF-style (leftmost placement, unchanged base first): chr2-227030445-T-TTCTG. GRCh37 (hg19) VCF-style: chr2-227895161-T-TTCTG.
Other names: p.Lys1324Thrfs*43; short protein forms K1324fs.
Identifiers: ClinVar variation 4884678 (VCV004884678.1).
Genomic context (GRCh38, chr2:227,030,445, plus strand): 5'-CCTCAAGGGTAAGATAACCAAGTTATTCACATATTACTTAACGGAACAACATTCATACCT[T>TTCTG]TCTGGCCATCTTTTCCATCACATCCTGGAAAGCCTTTGTATCCTGGAGGGCCTGGTGGGC-3'